The following is an entry in ClinVar:

NM_006005.3(WFS1):c.2370G>C (p.Ser790=)

Gene: WFS1 (wolframin ER transmembrane glycoprotein; plus strand). Cytogenetic location: 4p16.1.
Variant type: single nucleotide variant.
Coding change: c.2370G>C on transcript NM_006005.3 (MANE Select); coding-DNA position 2370, G replaced by C.
Protein change: p.Ser790=; no amino-acid change (serine 790 retained).
Molecular consequence: synonymous variant.
Genome position (GRCh38, 1-based): chr4:6,302,165, G>C. VCF-style: chr4-6302165-G-C. GRCh37 (hg19) VCF-style: chr4-6303892-G-C.
Other names: c.2370G>C, p.Ser790= (NM_001145853.1).
Identifiers: ClinVar variation 289438 (VCV000289438.16), dbSNP rs150936382, ClinGen allele CA2839707.
Genomic context (GRCh38, chr4:6,302,165, plus strand): 5'-CGACCGCTACAAGTTTGAGATTACCGTGGGCATGCCATTCAGCAGCGGCGCTGACGGCTC[G>C]CGCAGCCGCGAGGAGGACGACGTCACCAAGGACATCGTGCTGCGGGCCAGCAGCGAGTTC-3'
Protein context (NP_005996.2, residues 780-800): GMPFSSGADG[Ser790=]RSREEDDVTK

ClinVar aggregate classification (germline): Conflicting classifications of pathogenicity. Review status: criteria provided, conflicting classifications (1 of 4 stars). 5 submissions from 5 submitters: Uncertain significance (1); Likely benign (4). Last evaluated 2025-06-12.

Allele frequency attached by ClinVar (database versions not stated): TOPMed 0.00006.
gnomAD v4.1: 14 of 1,611,656 alleles (0.00087%); highest among the groups gnomAD compares: African/African-American, 0.013%; no homozygotes.

Submissions (5):

Labcorp Genetics (formerly Invitae), Labcorp
Classification: Likely benign. Last evaluated: 2025-06-12. Review status: criteria provided, single submitter. Criteria: Invitae Variant Classification Sherloc (09022015). Collection method: clinical testing. Allele origin: germline.

Blueprint Genetics
Classification: Likely benign. Last evaluated: 2022-06-28. Review status: criteria provided, single submitter. Criteria: ACMG Guidelines, 2015. Collection method: clinical testing. Allele origin: germline.

GeneDx
Classification: Likely benign. Last evaluated: 2019-08-05. Review status: criteria provided, single submitter. Criteria: GeneDx Variant Classification Process June 2021. Collection method: clinical testing. Allele origin: germline. Affected: yes.

Laboratory for Molecular Medicine, Mass General Brigham Personalized Medicine
Classification: Likely benign. Last evaluated: 2017-07-25. Review status: criteria provided, single submitter. Criteria: LMM Criteria. Collection method: clinical testing. Allele origin: germline. Observed: 1 variant allele.
Comment: p.Ser790Ser in exon 8 of WFS1: This variant is not expected to have clinical sig nificance because it does not alter an amino acid residue and it is not located within the splice consensus sequence. It has been identified in 1/8714 African chromosomes and 1/14982 European chromosomes by the Genome Aggregation Database (gnomAD; dbSNP rs150936382).

Eurofins Ntd Llc (ga)
Classification: Uncertain significance. Last evaluated: 2016-08-03. Review status: criteria provided, single submitter. Criteria: EGL Classification Definitions 2015. Collection method: clinical testing. Allele origin: germline. Observed: 1 variant allele, 1 heterozygote.